The following is an entry in ClinVar:

ClinVar aggregate classification (germline): Uncertain significance (1 of 4 stars; one submission).

Conditions:
Amyotrophic lateral sclerosis type 1 (ALS1). Also called: AMYOTROPHIC LATERAL SCLEROSIS 1, FAMILIAL. Identifiers: Orphanet 803, MedGen C1862939, MONDO:0007103, OMIM 105400.
Neuronopathy, distal hereditary motor, type 7B. Also called: HMN VIIB; LOWER MOTOR NEURON DISEASE, DYNACTIN TYPE; NEURONOPATHY, DISTAL HEREDITARY MOTOR, AUTOSOMAL DOMINANT 14; NEURONOPATHY, DISTAL HEREDITARY MOTOR, HARDING TYPE VIIB; NEUROPATHY, DISTAL HEREDITARY MOTOR, HARDING TYPE VIIB; NEUROPATHY, DISTAL HEREDITARY MOTOR, WITH VOCAL CORD PARALYSIS, HARDING TYPE VIIB. Identifiers: Orphanet 139589, MedGen C1843315, MONDO:0011879, OMIM 607641.
Perry syndrome. Also called: PARKINSONISM WITH ALVEOLAR HYPOVENTILATION AND MENTAL DEPRESSION. Identifiers: Orphanet 178509, MedGen C1868594, MONDO:0008201, OMIM 168605.

gnomAD v4.1: 1 of 1,614,072 alleles (0.000062%); highest among the groups gnomAD compares: African/African-American, 0.0013%; no homozygotes.

Submission:

Labcorp Genetics (formerly Invitae), Labcorp
Classification: Uncertain significance for Amyotrophic lateral sclerosis type 1; Neuronopathy, distal hereditary motor, type 7B; Perry syndrome. Last evaluated: 2024-03-10. Review status: criteria provided, single submitter. Criteria: Invitae Variant Classification Sherloc (09022015). Collection method: clinical testing. Allele origin: germline.
Comment: This sequence change replaces asparagine, which is neutral and polar, with lysine, which is basic and polar, at codon 1038 of the DCTN1 protein (p.Asn1038Lys). This variant is not present in population databases (gnomAD no frequency). This variant has not been reported in the literature in individuals affected with DCTN1-related conditions. Advanced modeling of protein sequence and biophysical properties (such as structural, functional, and spatial information, amino acid conservation, physicochemical variation, residue mobility, and thermodynamic stability) performed at Invitae indicates that this missense variant is not expected to disrupt DCTN1 protein function with a negative predictive value of 80%. In summary, the available evidence is currently insufficient to determine the role of this variant in disease. Therefore, it has been classified as a Variant of Uncertain Significance.

NM_004082.5(DCTN1):c.3114C>G (p.Asn1038Lys)

Gene: DCTN1 (dynactin subunit 1; minus strand). Cytogenetic location: 2p13.1.
Variant type: single nucleotide variant.
Coding change: c.3114C>G on transcript NM_004082.5 (MANE Select); coding-DNA position 3114, C replaced by G.
Protein change: p.Asn1038Lys; replaces asparagine 1038 with lysine.
Molecular consequence: missense variant. On other transcripts: non-coding transcript variant (1).
Genome position (GRCh38, 1-based): chr2:74,365,157, G>C on the plus strand (C>G on the coding strand, the complement: DCTN1 is on the minus strand). VCF-style: chr2-74365157-G-C. GRCh37 (hg19) VCF-style: chr2-74592284-G-C.
Other names: c.3003C>G, p.Asn1001Lys (NM_001190836.2); c.3093C>G, p.Asn1031Lys (NM_001190837.2); c.3063C>G, p.Asn1021Lys (NM_001378991.1); c.3045C>G, p.Asn1015Lys (NM_001378992.1); c.2712C>G, p.Asn904Lys (NM_023019.4, NM_001135041.3); c.3054C>G, p.Asn1018Lys (NM_001135040.3); short protein forms N1001K, N1015K, N1018K, N1021K, N1031K, N1038K, N904K.
Identifiers: ClinVar variation 3764046 (VCV003764046.2).